The following is an entry in ClinVar:

NM_020987.5(ANK3):c.2296C>T (p.Pro766Ser)

Gene: ANK3 (ankyrin 3; minus strand). Cytogenetic location: 10q21.2.
Variant type: single nucleotide variant.
Coding change: c.2296C>T on transcript NM_020987.5 (MANE Select); coding-DNA position 2296, C replaced by T.
Protein change: p.Pro766Ser; replaces proline 766 with serine.
Molecular consequence: missense variant.
Genome position (GRCh38, 1-based): chr10:60,172,986, G>A on the plus strand (C>T on the coding strand, the complement: ANK3 is on the minus strand). VCF-style: chr10-60172986-G-A. GRCh37 (hg19) VCF-style: chr10-61932744-G-A.
Other names: c.2278C>T, p.Pro760Ser (NM_001204403.2); c.2245C>T, p.Pro749Ser (NM_001204404.2); c.2296C>T, p.Pro766Ser (NM_001320874.2); short protein forms P749S, P766S, P760S.
Identifiers: ClinVar variation 2189858 (VCV002189858.4), dbSNP rs374120694, ClinGen allele CA5512855.

ClinVar aggregate classification (germline): Uncertain significance (1 of 4 stars; one submission).

Allele frequency attached by ClinVar (database versions not stated): gnomAD exomes 0.00001; ExAC 0.00005; ESP Exome Variant Server 0.00008; gnomAD 0.00014; TOPMed 0.00015; 1000 Genomes Project 30x 0.00016; 1000 Genomes Project 0.00020.
gnomAD v4.1: 32 of 1,613,036 alleles (0.002%); highest among the groups gnomAD compares: African/African-American, 0.035%; no homozygotes.

Submission:

Labcorp Genetics (formerly Invitae), Labcorp
Classification: Uncertain significance. Last evaluated: 2025-08-12. Review status: criteria provided, single submitter. Criteria: Invitae Variant Classification Sherloc (09022015). Collection method: clinical testing. Allele origin: germline.
Comment: This sequence change replaces proline, which is neutral and non-polar, with serine, which is neutral and polar, at codon 766 of the ANK3 protein (p.Pro766Ser). This variant is present in population databases (rs374120694, gnomAD 0.06%). This variant has not been reported in the literature in individuals affected with ANK3-related conditions. ClinVar contains an entry for this variant (Variation ID: 2189858). Invitae Evidence Modeling of protein sequence and biophysical properties (such as structural, functional, and spatial information, amino acid conservation, physicochemical variation, residue mobility, and thermodynamic stability) has been performed for this missense variant. However, the output from this modeling did not meet the statistical confidence thresholds required to predict the impact of this variant on ANK3 protein function. In summary, the available evidence is currently insufficient to determine the role of this variant in disease. Therefore, it has been classified as a Variant of Uncertain Significance.